The following is an entry in ClinVar:

NM_000245.4(MET):c.3959G>A (p.Trp1320Ter)

Gene: MET (MET proto-oncogene, receptor tyrosine kinase; plus strand). Cytogenetic location: 7q31.2.
Variant type: single nucleotide variant.
Coding change: c.3959G>A on transcript NM_000245.4 (MANE Select); coding-DNA position 3959, G replaced by A.
Protein change: p.Trp1320Ter; replaces tryptophan 1320 with a stop codon.
Molecular consequence: nonsense.
Genome position (GRCh38, 1-based): chr7:116,795,910, G>A. VCF-style: chr7-116795910-G-A. GRCh37 (hg19) VCF-style: chr7-116435964-G-A.
Other names: c.4013G>A, p.Trp1338Ter (NM_001127500.3); c.2669G>A, p.Trp890Ter (NM_001324402.2); short protein forms W1320*, W890*, W1338*.
Identifiers: ClinVar variation 4647308 (VCV004647308.1).
Genomic context (GRCh38, chr7:116,795,910, plus strand): 5'-AAGGGTCTCTTACAGCATGTCTTTCTTTTTGGAACAGATATGAAGTAATGCTAAAATGCT[G>A]GCACCCTAAAGCCGAAATGCGCCCATCCTTTTCTGAACTGGTGTCCCGGATATCAGCGAT-3'

ClinVar aggregate classification (germline): Uncertain significance (1 of 4 stars; one submission).

Conditions:
Hereditary cancer-predisposing syndrome. Also called: Neoplastic Syndromes, Hereditary; Tumor predisposition; Hereditary Cancer Syndrome; Hereditary neoplastic syndrome. Identifiers: Orphanet 140162, MedGen C0027672, MeSH D009386, MONDO:0015356.

gnomAD v4.1: 1 of 1,614,126 alleles (0.000062%); highest among the groups gnomAD compares: Non-Finnish European, 0.000085%; no homozygotes.

Submission:

Ambry Genetics
Classification: Uncertain significance for Hereditary cancer-predisposing syndrome. Last evaluated: 2025-11-07. Review status: criteria provided, single submitter. Criteria: Ambry Variant Classification Scheme 2023. Collection method: clinical testing. Allele origin: germline.
Comment: The p.W1338* variant (also known as c.4013G>A), located in coding exon 20 of the MET gene, results from a G to A substitution at nucleotide position 4013. This changes the amino acid from a tryptophan to a stop codon within coding exon 20. This alteration occurs at the 3' terminus of the gene and is not expected to trigger nonsense-mediated mRNA decay. Based on the available evidence, the clinical significance of this alteration remains unclear.